The following is an entry in ClinVar:

NM_002617.4(PEX10):c.3G>A (p.Met1Ile)

Gene: PEX10 (peroxisomal biogenesis factor 10; minus strand). Cytogenetic location: 1p36.32.
Variant type: single nucleotide variant.
Coding change: c.3G>A on transcript NM_002617.4 (MANE Select); coding-DNA position 3, G replaced by A.
Protein change: p.Met1Ile; changes the start codon (methionine 1).
Molecular consequence: missense variant, initiator codon variant. On other transcripts: intron variant (2).
Genome position (GRCh38, 1-based): chr1:2,412,500, C>T on the plus strand (G>A on the coding strand, the complement: PEX10 is on the minus strand). VCF-style: chr1-2412500-C-T. GRCh37 (hg19) VCF-style: chr1-2343939-C-T.
Other names: c.3G>A, p.Met1Ile (NM_001374425.1, NM_153818.2); c.-321+1097G>A (NM_001374427.1, NM_001374426.1); c.3G>A (NM_153818.1); short protein forms M1I.
Identifiers: ClinVar variation 2733820 (VCV002733820.4), dbSNP rs1393899190, ClinGen allele CA337990813.

ClinVar aggregate classification (germline): Pathogenic/Likely pathogenic. Review status: criteria provided, multiple submitters, no conflicts (2 of 4 stars). 2 submissions from 2 submitters: Pathogenic (1); Likely pathogenic (1). Last evaluated 2025-07-22.

Conditions:
Peroxisome biogenesis disorder, complementation group 7 (CG7). Also called: Peroxisome biogenesis disorder, complementation group B. Identifiers: MedGen C1864399.
Zellweger spectrum disorders (ZS). Also called: Zellweger Spectrum Disorder (ZSD); Zellweger syndrome; Zellweger Spectrum Disorder; Zellweger Spectrum. Identifiers: Orphanet 912, MedGen C0043459, MONDO:0019609.

Allele frequency attached by ClinVar (database versions not stated): TOPMed below 0.00001; gnomAD 0.00001.

Submissions (2):

Labcorp Genetics (formerly Invitae), Labcorp
Classification: Pathogenic for Peroxisome biogenesis disorder, complementation group 7. Last evaluated: 2025-07-22. Review status: criteria provided, single submitter. Criteria: Invitae Variant Classification Sherloc (09022015). Collection method: clinical testing. Allele origin: germline.
Comment: This sequence change affects the initiator codon of the PEX10 mRNA. This change may impact translation initiation or efficiency. The next in-frame methionine is located at codon 145. This variant is not present in population databases (gnomAD no frequency). Disruption of the initiator codon has been observed in individuals with peroxisomal biogenesis disorders (PMID: 20695019, 21031596, 25179809, 28320181). It has also been observed to segregate with disease in related individuals. ClinVar contains an entry for this variant (Variation ID: 2733820). For these reasons, this variant has been classified as Pathogenic.

Natera, Inc.
Classification: Likely pathogenic for Zellweger syndrome. Last evaluated: 2025-05-08. Review status: criteria provided, single submitter. Criteria: Natera Variant Classification Schema (03/2026). Collection method: clinical testing. Allele origin: germline.
Comment: The c.3G>A variant in PEX10 is predicted to result in start loss due to disruption of the initiator methionine. This variant is expected to result in nonsense mediated decay, truncation, or a dysfunctional protein product. This variant is rare in the general population with a frequency below the threshold expected for the associated phenotype(s). Given the available evidence, this variant is classified as Likely Pathogenic.

Literature cited by the submitters: PubMed 20695019 (cited by Labcorp Genetics (formerly Invitae), Labcorp); PubMed 21031596 (cited by Labcorp Genetics (formerly Invitae), Labcorp); PubMed 25179809 (cited by Labcorp Genetics (formerly Invitae), Labcorp); PubMed 28320181 (cited by Labcorp Genetics (formerly Invitae), Labcorp).